The following is an entry in ClinVar:

ClinVar aggregate classification (germline): Uncertain significance. Review status: criteria provided, multiple submitters, no conflicts (2 of 4 stars). 2 submissions from 2 submitters: Uncertain significance (2). Last evaluated 2025-11-26.

Conditions:
Familial cancer of breast. Also called: BREAST CANCER, FAMILIAL; hereditary breast carcinoma; Hereditary breast cancer. Identifiers: Orphanet 227535, MedGen C0346153, MONDO:0016419, OMIM 114480. Disease mechanism: loss of function.
Fanconi anemia complementation group J. Also called: BRIP1-Related Fanconi Anemia. Identifiers: Orphanet 84, MedGen C1836860, MONDO:0012187, OMIM 609054.
Hereditary cancer-predisposing syndrome. Also called: Neoplastic Syndromes, Hereditary; Tumor predisposition; Hereditary neoplastic syndrome; Hereditary Cancer Syndrome. Identifiers: Orphanet 140162, MedGen C0027672, MeSH D009386, MONDO:0015356.

Allele frequency attached by ClinVar (database versions not stated): gnomAD exomes below 0.00001.
gnomAD v4.1: 1 of 1,614,020 alleles (0.000062%); highest among the groups gnomAD compares: South Asian, 0.0011%; no homozygotes.

Submissions (2):

Labcorp Genetics (formerly Invitae), Labcorp
Classification: Uncertain significance for Familial cancer of breast; Fanconi anemia complementation group J. Last evaluated: 2025-11-26. Review status: criteria provided, single submitter. Criteria: Invitae Variant Classification Sherloc (09022015). Collection method: clinical testing. Allele origin: germline.
Comment: This sequence change replaces serine, which is neutral and polar, with phenylalanine, which is neutral and non-polar, at codon 880 of the BRIP1 protein (p.Ser880Phe). This variant is present in population databases (no rsID available, gnomAD 0.003%). This variant has not been reported in the literature in individuals affected with BRIP1-related conditions. ClinVar contains an entry for this variant (Variation ID: 1794155). Invitae Evidence Modeling of protein sequence and biophysical properties (such as structural, functional, and spatial information, amino acid conservation, physicochemical variation, residue mobility, and thermodynamic stability) has been performed for this missense variant. However, the output from this modeling did not meet the statistical confidence thresholds required to predict the impact of this variant on BRIP1 protein function. In summary, the available evidence is currently insufficient to determine the role of this variant in disease. Therefore, it has been classified as a Variant of Uncertain Significance.

Ambry Genetics
Classification: Uncertain significance for Hereditary cancer-predisposing syndrome. Last evaluated: 2018-05-25. Review status: criteria provided, single submitter. Criteria: Ambry Variant Classification Scheme 2023. Collection method: clinical testing. Allele origin: germline.
Comment: The p.S880F variant (also known as c.2639C>T), located in coding exon 18 of the BRIP1 gene, results from a C to T substitution at nucleotide position 2639. The serine at codon 880 is replaced by phenylalanine, an amino acid with highly dissimilar properties. This amino acid position is highly conserved in available vertebrate species. In addition, the in silico prediction for this alteration is inconclusive. Since supporting evidence is conflicting at this time, the clinical significance of this alteration remains unclear.

NM_032043.3(BRIP1):c.2639C>T (p.Ser880Phe)

Gene: BRIP1 (BRCA1 interacting DNA helicase 1; minus strand). Cytogenetic location: 17q23.2.
Variant type: single nucleotide variant.
Coding change: c.2639C>T on transcript NM_032043.3 (MANE Select); coding-DNA position 2639, C replaced by T.
Protein change: p.Ser880Phe; replaces serine 880 with phenylalanine.
Molecular consequence: missense variant.
Genome position (GRCh38, 1-based): chr17:61,686,102, G>A on the plus strand (C>T on the coding strand, the complement: BRIP1 is on the minus strand). VCF-style: chr17-61686102-G-A. GRCh37 (hg19) VCF-style: chr17-59763463-G-A.
Other names: short protein forms S880F.
Identifiers: ClinVar variation 1794155 (VCV001794155.4), dbSNP rs1217852974, ClinGen allele CA400481885.